The following is an entry in ClinVar:

ClinVar aggregate classification (germline): Uncertain significance (1 of 4 stars; one submission).

Conditions:
Nephronophthisis 14 (NPHP14). Identifiers: Orphanet 2318, MedGen C3539071, MONDO:0013916, OMIM 614844.

Allele frequency attached by ClinVar (database versions not stated): gnomAD 0.00001.
gnomAD v4.1: 1 of 1,613,824 alleles (0.000062%); highest among the groups gnomAD compares: African/African-American, 0.0013%; no homozygotes.

Submission:

Labcorp Genetics (formerly Invitae), Labcorp
Classification: Uncertain significance for Nephronophthisis 14. Last evaluated: 2022-11-08. Review status: criteria provided, single submitter. Criteria: Invitae Variant Classification Sherloc (09022015). Collection method: clinical testing. Allele origin: germline.
Comment: In summary, the available evidence is currently insufficient to determine the role of this variant in disease. Therefore, it has been classified as a Variant of Uncertain Significance. This sequence change replaces asparagine, which is neutral and polar, with tyrosine, which is neutral and polar, at codon 570 of the ZNF423 protein (p.Asn570Tyr). This variant is present in population databases (no rsID available, gnomAD 0.01%). This variant has not been reported in the literature in individuals affected with ZNF423-related conditions. ClinVar contains an entry for this variant (Variation ID: 1062023). Advanced modeling of protein sequence and biophysical properties (such as structural, functional, and spatial information, amino acid conservation, physicochemical variation, residue mobility, and thermodynamic stability) performed at Invitae indicates that this missense variant is not expected to disrupt ZNF423 protein function.

NM_001379286.1(ZNF423):c.1732A>T (p.Asn578Tyr)

Gene: ZNF423 (zinc finger protein 423; minus strand). Cytogenetic location: 16q12.1.
Variant type: single nucleotide variant.
Coding change: c.1732A>T on transcript NM_001379286.1 (MANE Select); coding-DNA position 1732, A replaced by T.
Protein change: p.Asn578Tyr; replaces asparagine 578 with tyrosine.
Molecular consequence: missense variant.
Genome position (GRCh38, 1-based): chr16:49,637,444, T>A on the plus strand (A>T on the coding strand, the complement: ZNF423 is on the minus strand). VCF-style: chr16-49637444-T-A. GRCh37 (hg19) VCF-style: chr16-49671355-T-A.
Other names: c.1528A>T, p.Asn510Tyr (NM_001271620.2); c.1357A>T, p.Asn453Tyr (NM_001330533.2); c.1708A>T, p.Asn570Tyr (NM_015069.5); short protein forms N453Y, N510Y, N570Y, N578Y.
Identifiers: ClinVar variation 1062023 (VCV001062023.8), dbSNP rs1347110204, ClinGen allele CA395846712.